The following is an entry in ClinVar:

NM_005236.3(ERCC4):c.661A>G (p.Thr221Ala)

Gene: ERCC4 (ERCC excision repair 4, endonuclease catalytic subunit; plus strand). Cytogenetic location: 16p13.12.
Variant type: single nucleotide variant.
Coding change: c.661A>G on transcript NM_005236.3 (MANE Select); coding-DNA position 661, A replaced by G.
Protein change: p.Thr221Ala; replaces threonine 221 with alanine.
Molecular consequence: missense variant.
Genome position (GRCh38, 1-based): chr16:13,928,104, A>G. VCF-style: chr16-13928104-A-G. GRCh37 (hg19) VCF-style: chr16-14021961-A-G.
Other names: short protein forms T221A.
Identifiers: ClinVar variation 2941664 (VCV002941664.3), dbSNP rs2543171085, ClinGen allele CA394802525.
Genomic context (GRCh38, chr16:13,928,104, plus strand): 5'-AACTCATTTTTAGAACAGCACAAACCTGAAGTTGTAGAAATCCATGTTTCTATGACACCT[A>G]CCATGCTTGCTATACAGACTGCTATACTGGACATTTTAAATGCATGTCTAAAGGAACTAA-3'
Protein context (NP_005227.1, residues 211-231): VVEIHVSMTP[Thr221Ala]MLAIQTAILD

ClinVar aggregate classification (germline): Uncertain significance (1 of 4 stars; one submission).

Conditions:
Xeroderma pigmentosum, group F (XPF). Also called: XERODERMA PIGMENTOSUM, COMPLEMENTATION GROUP F; XERODERMA PIGMENTOSUM VI; XP, GROUP F; ERCC4-Related Xeroderma Pigmentosum; XERODERMA PIGMENTOSUM, TYPE F; Xeroderma pigmentosum, type 6. Identifiers: MedGen C0268140, MONDO:0010215, OMIM 278760.
Fanconi anemia complementation group Q. Identifiers: Orphanet 84, MedGen C3808988, MONDO:0014108, OMIM 615272.
Cockayne syndrome. Identifiers: Orphanet 191, MedGen C0009207, MONDO:0016006.

Allele frequency attached by ClinVar (database versions not stated): gnomAD exomes below 0.00001.
gnomAD v4.1: 6 of 1,613,612 alleles (0.00037%); highest among the groups gnomAD compares: Non-Finnish European, 0.00051%; no homozygotes.

Submission:

Labcorp Genetics (formerly Invitae), Labcorp
Classification: Uncertain significance for Fanconi anemia complementation group Q; Xeroderma pigmentosum, group F; Cockayne syndrome. Last evaluated: 2023-09-20. Review status: criteria provided, single submitter. Criteria: Invitae Variant Classification Sherloc (09022015). Collection method: clinical testing. Allele origin: germline.
Comment: In summary, the available evidence is currently insufficient to determine the role of this variant in disease. Therefore, it has been classified as a Variant of Uncertain Significance. Advanced modeling of protein sequence and biophysical properties (such as structural, functional, and spatial information, amino acid conservation, physicochemical variation, residue mobility, and thermodynamic stability) performed at Invitae indicates that this missense variant is not expected to disrupt ERCC4 protein function. This variant has not been reported in the literature in individuals affected with ERCC4-related conditions. This variant is not present in population databases (gnomAD no frequency). This sequence change replaces threonine, which is neutral and polar, with alanine, which is neutral and non-polar, at codon 221 of the ERCC4 protein (p.Thr221Ala).